The following is an entry in ClinVar:

NM_021930.6(RINT1):c.1583C>G (p.Thr528Ser)

Gene: RINT1 (RAD50 interactor 1; plus strand). Cytogenetic location: 7q22.3.
Variant type: single nucleotide variant.
Coding change: c.1583C>G on transcript NM_021930.6 (MANE Select); coding-DNA position 1583, C replaced by G.
Protein change: p.Thr528Ser; replaces threonine 528 with serine.
Molecular consequence: missense variant.
Genome position (GRCh38, 1-based): chr7:105,555,139, C>G. VCF-style: chr7-105555139-C-G. GRCh37 (hg19) VCF-style: chr7-105195586-C-G.
Other names: c.1349C>G, p.Thr450Ser (NM_001346599.2); c.560C>G, p.Thr187Ser (NM_001346600.2, NM_001346603.2); c.659C>G, p.Thr220Ser (NM_001346601.2); short protein forms T450S, T528S, T187S, T220S.
Identifiers: ClinVar variation 1402862 (VCV001402862.8), dbSNP rs1006861924, ClinGen allele CA164060421.

ClinVar aggregate classification (germline): Uncertain significance. Review status: criteria provided, multiple submitters, no conflicts (2 of 4 stars). 2 submissions from 2 submitters: Uncertain significance (2). Last evaluated 2024-03-12.

Allele frequency attached by ClinVar (database versions not stated): gnomAD exomes below 0.00001; gnomAD 0.00001; TOPMed 0.00001.
gnomAD v4.1: 4 of 1,613,958 alleles (0.00025%); highest among the groups gnomAD compares: African/African-American, 0.004%; no homozygotes.

Submissions (2):

Ambry Genetics
Classification: Uncertain significance. Last evaluated: 2024-03-12. Review status: criteria provided, single submitter. Criteria: Ambry Variant Classification Scheme 2023. Collection method: clinical testing. Allele origin: germline.
Comment: The p.T528S variant (also known as c.1583C>G), located in coding exon 11 of the RINT1 gene, results from a C to G substitution at nucleotide position 1583. The threonine at codon 528 is replaced by serine, an amino acid with similar properties. This amino acid position is conserved. In addition, this alteration is predicted to be tolerated by in silico analysis. Since supporting evidence is limited at this time, the clinical significance of this alteration remains unclear.

Labcorp Genetics (formerly Invitae), Labcorp
Classification: Uncertain significance. Last evaluated: 2023-04-06. Review status: criteria provided, single submitter. Criteria: Invitae Variant Classification Sherloc (09022015). Collection method: clinical testing. Allele origin: germline.
Comment: This sequence change replaces threonine, which is neutral and polar, with serine, which is neutral and polar, at codon 528 of the RINT1 protein (p.Thr528Ser). This variant is present in population databases (no rsID available, gnomAD 0.01%). This variant has not been reported in the literature in individuals affected with RINT1-related conditions. ClinVar contains an entry for this variant (Variation ID: 1402862). Algorithms developed to predict the effect of missense changes on protein structure and function output the following: SIFT: "Not Available"; PolyPhen-2: "Benign"; Align-GVGD: "Not Available". The serine amino acid residue is found in multiple mammalian species, which suggests that this missense change does not adversely affect protein function. In summary, the available evidence is currently insufficient to determine the role of this variant in disease. Therefore, it has been classified as a Variant of Uncertain Significance.